The following is an entry in ClinVar:

ClinVar aggregate classification (germline): Pathogenic (1 of 4 stars; one submission).

Conditions:
Bloom syndrome (BLM). Also called: Bloom-Torre-Machacek syndrome. Identifiers: Orphanet 125, MedGen C0005859, MONDO:0008876, OMIM 210900.

Submission:

Labcorp Genetics (formerly Invitae), Labcorp
Classification: Pathogenic for Bloom syndrome. Last evaluated: 2023-07-11. Review status: criteria provided, single submitter. Criteria: Invitae Variant Classification Sherloc (09022015). Collection method: clinical testing. Allele origin: germline.
Comment: Retrotransposon insertions including LINE1 (L1), Alu, and SVA (SINE-VNTR-Alu) have been reported to be disease-causing through disruption of either a coding region or splice site (PMID: 19763152, 20307669, 22406018) and loss-of-function variants in BLM are known to be pathogenic (PMID: 17407155). For these reasons, this variant has been classified as Pathogenic. Algorithms developed to predict the effect of sequence changes on RNA splicing suggest that this variant may disrupt the consensus splice site. This variant has not been reported in the literature in individuals affected with BLM-related conditions. This variant is not present in population databases (gnomAD no frequency). This sequence change inserts a large fragment of DNA, likely a transposable element, in exon 3 of the BLM gene (c.196_197ins?), causing a frameshift at codon 66 (p.Asn66fs). The exact size and sequence of the insertion cannot be determined by the current assay. However, the insertion is expected to result in an absent or disrupted protein product.

Literature cited by the submitters: PubMed 19763152; PubMed 20307669; PubMed 22406018; PubMed 17407155.

NM_000057.4(BLM):c.196_197insCTCTTTTCTAAGGAAGGCAAAACAAAAGCATTTAAAAACTAATTTAATTAAGGTTAAAAATTCATCTGCCGCTGCGNNNNNNNNNNAAAAAAAAAAAAAAAAAAAAAAGAAATAAAGATGTTA (p.Asn66delinsThrLeuPheTer)

Gene: BLM (BLM RecQ like helicase; plus strand). Cytogenetic location: 15q26.1.
Variant type: Insertion.
Coding change: c.196_197insCTCTTTTCTAAGGAAGGCAAAACAAAAGCATTTAAAAACTAATTTAATTAAGGTTAAAAATTCATCTGCCGCTGCGNNNNNNNNNNAAAAAAAAAAAAAAAAAAAAAAGAAATAAAGATGTTA on transcript NM_000057.4 (MANE Select); coding-DNA positions 196 to 197, CTCTTTTCTAAGGAAGGCAAAACAAAAGCATTTAAAAACTAATTTAATTAAGGTTAAAAATTCATCTGCCGCTGCGNNNNNNNNNNAAAAAAAAAAAAAAAAAAAAAAGAAATAAAGATGTTA inserted.
Protein change: p.Asn66delinsThrLeuPheTer.
Molecular consequence: nonsense. On other transcripts: 5 prime UTR variant (1).
Genome position: GRCh38: chr15:90,749,464-90,749,465. GRCh37 (hg19): chr15:91,292,694-91,292,695.
Other names: c.196_197insCTCTTTTCTAAGGAAGGCAAAACAAAAGCATTTAAAAACTAATTTAATTAAGGTTAAAAATTCATCTGCCGCTGCGNNNNNNNNNNAAAAAAAAAAAAAAAAAAAAAAGAAATAAAGATGTTA, p.Asn66delinsThrLeuPheTer (NM_001287246.2, NM_001287247.2); c.-1096_-1095insCTCTTTTCTAAGGAAGGCAAAACAAAAGCATTTAAAAACTAATTTAATTAAGGTTAAAAATTCATCTGCCGCTGCGNNNNNNNNNNAAAAAAAAAAAAAAAAAAAAAAGAAATAAAGATGTTA (NM_001287248.2).
Identifiers: ClinVar variation 2741630 (VCV002741630.3), dbSNP rs2505390555.